The following is an entry in ClinVar:

ClinVar aggregate classification (germline): Pathogenic. Review status: criteria provided, multiple submitters, no conflicts (2 of 4 stars). 7 submissions from 7 submitters: Pathogenic (6). 1 of the submissions does not count toward it. Last evaluated 2026-03-07.

Conditions:
Cystic renal disease.
Polycystic kidney disease. Also called: Polycystic kidney dysplasia; Kidney, Polycystic. Identifiers: MedGen C0022680, MeSH D007690, MONDO:0020642, HP:0000113.
Polycystic kidney disease, adult type (PKD1). Also called: Polycystic Kidney Disease 1, Autosomal Dominant; Polycystic kidney disease 1; Polycystic kidney disease 1, severe; Polycystic Kidney, Autosomal Dominant; POLYCYSTIC KIDNEY DISEASE, ADULT, TYPE I; POLYCYSTIC KIDNEY DISEASE 1 WITH OR WITHOUT POLYCYSTIC LIVER DISEASE. Identifiers: MedGen C3149841, MONDO:0008263, OMIM 173900.
PKD1-related disorder. Also called: PKD1-related condition.

Submissions (7):

Genetics Laboratory, Great Ormond Street Hospital NHS Foundation Trust, North Thames Genomic Laboratory Hub
Classification: Pathogenic for Cystic renal disease. Last evaluated: 2026-03-07. Review status: criteria provided, single submitter. Criteria: ACGS Best Practice Guidelines for Variant Classification in Rare Disease 2024 v1.2. Collection method: clinical testing. Allele origin: germline. Affected: yes.
Comment: PS4_moderate, PM2_moderate, PVS1_very-strong

GeneDx
Classification: Pathogenic. Last evaluated: 2026-01-06. Review status: criteria provided, single submitter. Criteria: GeneDx Variant Classification Process June 2021. Collection method: clinical testing. Allele origin: germline.
Comment: Identified in patient cohorts with autosomal dominant polycystic kidney disease in published literature (PMID: 23300259, 38541974, 31740684); Nonsense variant predicted to result in protein truncation or nonsense mediated decay in a gene for which loss of function is a known mechanism of disease; Not observed at significant frequency in large population cohorts (gnomAD); This variant is associated with the following publications: (PMID: 23300259, DelAguilaGarcia2023[preprint], 31740684, 38541974)

Blueprint Genetics
Classification: Pathogenic for PKD1-related disorders. Last evaluated: 2024-05-23. Review status: criteria provided, single submitter. Criteria: ACMG Guidelines, 2015. Collection method: clinical testing. Allele origin: germline. Affected: yes. Observed: 1 variant allele.

Fulgent Genetics
Classification: Pathogenic for Polycystic kidney disease, adult type. Last evaluated: 2024-02-27. Review status: criteria provided, single submitter. Criteria: ACMG Guidelines, 2015. Collection method: clinical testing. Allele origin: germline.

(GEEPAD) Grupo de Estudio de la Enfermedad Poliquística Autosómica Dominante, Hospitales Universitarios Virgen de las Nieves y San Cecilio (Granada)
Classification: Pathogenic for Polycystic kidney disease, adult type. Last evaluated: 2020-01-20. Review status: criteria provided, single submitter. Criteria: ACMG Guidelines, 2015. Collection method: clinical testing. Allele origin: germline. Inheritance: Autosomal dominant inheritance. Affected: yes. Observed: 1 variant allele.
Comment: Bilateral kidney and liver cysts.

ARUP Laboratories, Molecular Genetics and Genomics, ARUP Laboratories
Classification: Pathogenic for Polycystic kidney disease, adult type. Last evaluated: 2018-07-13. Review status: criteria provided, single submitter. Criteria: ARUP Molecular Germline Variant Investigation Process. Collection method: clinical testing. Allele origin: germline.
Comment: The PKD1 c.3346C>T; p.Gln1116Ter variant has been described in at least one individual with autosomal dominant polycystic kidney disease (ADPKD; Neumann 2013). It is absent from general population databases (1000 Genomes Project, Exome Variant Server, and Genome Aggregation Database), indicating it is not a common polymorphism. This variant induces an early termination codon and is predicted to result in a truncated protein or mRNA subject to nonsense-mediated decay. Additionally, several downstream truncating variants have been reported in individuals affected with ADPKD and are considered pathogenic (Audrezet 2012, Neumann 2013). Based on available information, this variant is considered pathogenic. References: Audrezet M et al. Autosomal dominant polycystic kidney disease: comprehensive mutation analysis of PKD1 and PKD2 in 700 unrelated patients. Hum Mutat. 2012 Aug;33(8):1239-50. Neumann H et al. Epidemiology of autosomal-dominant polycystic kidney disease: an in-depth clinical study for south-western Germany. Nephrol Dial Transplant. 2013 Jun;28(6):1472-87.

Department of Pathology and Laboratory Medicine, Sinai Health System
Classification: Pathogenic for Polycystic Kidney disease. Review status: no assertion criteria provided. Collection method: clinical testing. Allele origin: unknown. Affected: yes. Study: The Canadian Open Genetics Repository (COGR). Not counted in ClinVar's aggregate classification.
Comment: The PKD1 p.Gln1116X variant was identified in 1 of 1782 proband chromosomes (frequency: 0.001) from individuals or families with ADPKD of German ethnicity (Neumann 2013); however control chromosomes were not evaluated in these studies, thus the prevalence of this variant in the general population could not be determined. The variant was not identified in dbSNP, Clinvitae, ClinVar, GeneInsight-COGR, MutDB, ADPKD Mutation Database, PKD1-LOVD, PKD1-LOVD 3.0, the Exome Aggregation Consortium (August 8, 2016), the 1000 Genomes Project and the NHLBI GO Exome Sequencing Project databases. The p.Gln1116X variant leads to a premature stop codon at position 1116, which is predicted to lead to a truncated or absent protein and loss of function. Loss of function variants of the PKD1 gene are an established mechanism of disease in autosomal dominant polycystic kidney disease and is the type of variant expected to cause the disorder. In summary, based on the above information, this variant meets our laboratoryâ€šÃ„Ã´s criteria to be classified as pathogenic.

NM_001009944.3(PKD1):c.3346C>T (p.Gln1116Ter)

Gene: PKD1 (polycystin 1, transient receptor potential channel interacting; minus strand). Cytogenetic location: 16p13.3.
Variant type: single nucleotide variant.
Coding change: c.3346C>T on transcript NM_001009944.3 (MANE Select); coding-DNA position 3346, C replaced by T.
Protein change: p.Gln1116Ter; replaces glutamine 1116 with a stop codon.
Molecular consequence: nonsense.
Genome position (GRCh38, 1-based): chr16:2,111,821, G>A on the plus strand (C>T on the coding strand, the complement: PKD1 is on the minus strand). VCF-style: chr16-2111821-G-A. GRCh37 (hg19) VCF-style: chr16-2161822-G-A.
Other names: c.3346C>T, p.Gln1116Ter (NM_000296.4); short protein forms Q1116*.
Identifiers: ClinVar variation 811713 (VCV000811713.17), dbSNP rs1596563657, ClinGen allele CA394383264.